The following is an entry in ClinVar:

NM_001035.3(RYR2):c.13351G>A (p.Glu4451Lys)

Gene: RYR2 (ryanodine receptor 2; plus strand). Cytogenetic location: 1q43.
Variant type: single nucleotide variant.
Coding change: c.13351G>A on transcript NM_001035.3 (MANE Select); coding-DNA position 13351, G replaced by A.
Protein change: p.Glu4451Lys; replaces glutamic acid 4451 with lysine.
Molecular consequence: missense variant.
Genome position (GRCh38, 1-based): chr1:237,788,010, G>A. VCF-style: chr1-237788010-G-A. GRCh37 (hg19) VCF-style: chr1-237951310-G-A.
Other names: c.13351G>A (NM_001035.2); short protein forms E4451K.
Identifiers: ClinVar variation 918329 (VCV000918329.10), dbSNP rs780734342, ClinGen allele CA085356.
Genomic context (GRCh38, chr1:237,788,010, plus strand): 5'-TTCTGGAGAGCTTATGTTTTGTTTGTTTGTTTTCATAGGGGAGAAGATGGAGAAAAAGAA[G>A]AGAAAGCCAAGGAAGACAAGGGCAAACAAAAGTTGAGGCAGCTTCACACACACAGATACG-3'
Protein context (NP_001026.2, residues 4441-4461): KAEGEDGEKE[Glu4451Lys]KAKEDKGKQK

ClinVar aggregate classification (germline): Conflicting classifications of pathogenicity. Review status: criteria provided, conflicting classifications (1 of 4 stars). 5 submissions from 5 submitters: Uncertain significance (4); Likely benign (1). Last evaluated 2024-09-23.

Conditions:
Cardiomyopathy (CMYO). Also called: Cardiomyopathies. Identifiers: Orphanet 167848, MedGen C0878544, MONDO:0004994, HP:0001638. Inheritance: Various modes of inheritance.
Catecholaminergic polymorphic ventricular tachycardia 1. Also called: RYR2-Related Catecholaminergic Polymorphic Ventricular Tachycardia; VENTRICULAR TACHYCARDIA, STRESS-INDUCED POLYMORPHIC 1; VENTRICULAR TACHYCARDIA, CATECHOLAMINERGIC POLYMORPHIC, 1, WITH OR WITHOUT ATRIAL DYSFUNCTION AND/OR DILATED CARDIOMYOPATHY. Identifiers: Orphanet 3286, MedGen C1631597, MONDO:0011484, OMIM 604772.
Cardiovascular phenotype. Identifiers: MedGen CN230736.
Catecholaminergic polymorphic ventricular tachycardia (CVPT). Also called: Catecholamine-induced polymorphic ventricular tachycardia. Identifiers: Orphanet 3286, MedGen C5574922, MONDO:0017990.

Allele frequency attached by ClinVar (database versions not stated): gnomAD 0.00001; TOPMed 0.00001; gnomAD exomes 0.00002; ExAC 0.00004.
gnomAD v4.1: 28 of 1,598,534 alleles (0.0018%); highest among the groups gnomAD compares: Middle Eastern, 0.016%; no homozygotes.

Submissions (5):

All of Us Research Program, National Institutes of Health
Classification: Uncertain significance for Catecholaminergic polymorphic ventricular tachycardia. Last evaluated: 2024-09-23. Review status: criteria provided, single submitter. Criteria: ACMG Guidelines, 2015. Collection method: clinical testing. Allele origin: germline. Inheritance: Autosomal dominant inheritance. Observed: 12 variant alleles, 12 heterozygotes.
Comment: This variant is located in the RYR2 protein. Computational prediction suggests that this variant may not impact protein structure and function (internally defined REVEL score threshold <= 0.5, PMID: 27666373). To our knowledge, functional studies have not been reported for this variant. This variant has not been reported in individuals affected with cardiovascular disorders in the literature. This variant has been identified in 7/255258 chromosomes in the general population by the Genome Aggregation Database (gnomAD). The available evidence is insufficient to determine the role of this variant in disease conclusively. Therefore, this variant is classified as a Variant of Uncertain Significance.

This study involves interpretation of variants in research participants for the purpose of population health screening. Participant phenotype was not available at the time of variant classification. Additional details can be found in publication PMID: 35346344, PMCID: PMC8962531

Blueprint Genetics
Classification: Likely benign. Last evaluated: 2024-01-18. Review status: criteria provided, single submitter. Criteria: ACMG Guidelines, 2015. Collection method: clinical testing. Allele origin: germline.

Color Diagnostics, LLC DBA Color Health
Classification: Uncertain significance for Cardiomyopathy. Last evaluated: 2023-12-11. Review status: criteria provided, single submitter. Criteria: ACMG Guidelines, 2015. Collection method: clinical testing. Allele origin: germline.
Comment: This missense variant replaces glutamic acid with lysine at codon 4451 of the RYR2 protein. Computational prediction tools indicate that this variant has a neutral impact on protein structure and function. To our knowledge, functional studies have not been reported for this variant. This variant has not been reported in individuals affected with RYR2-related disorders in the literature. This variant has been identified in 7/255258 chromosomes in the general population by the Genome Aggregation Database (gnomAD). The available evidence is insufficient to determine the role of this variant in disease conclusively. Therefore, this variant is classified as a Variant of Uncertain Significance.

Labcorp Genetics (formerly Invitae), Labcorp
Classification: Uncertain significance for Catecholaminergic polymorphic ventricular tachycardia 1. Last evaluated: 2023-10-28. Review status: criteria provided, single submitter. Criteria: Invitae Variant Classification Sherloc (09022015). Collection method: clinical testing. Allele origin: germline.
Comment: This sequence change replaces glutamic acid, which is acidic and polar, with lysine, which is basic and polar, at codon 4451 of the RYR2 protein (p.Glu4451Lys). This variant is present in population databases (rs780734342, gnomAD 0.005%). This variant has not been reported in the literature in individuals affected with RYR2-related conditions. ClinVar contains an entry for this variant (Variation ID: 918329). Advanced modeling of protein sequence and biophysical properties (such as structural, functional, and spatial information, amino acid conservation, physicochemical variation, residue mobility, and thermodynamic stability) performed at Invitae indicates that this missense variant is not expected to disrupt RYR2 protein function with a negative predictive value of 95%. In summary, the available evidence is currently insufficient to determine the role of this variant in disease. Therefore, it has been classified as a Variant of Uncertain Significance.

Ambry Genetics
Classification: Uncertain significance for Cardiovascular phenotype. Last evaluated: 2023-05-26. Review status: criteria provided, single submitter. Criteria: Ambry Variant Classification Scheme 2023. Collection method: clinical testing. Allele origin: germline.
Comment: The p.E4451K variant (also known as c.13351G>A), located in coding exon 92 of the RYR2 gene, results from a G to A substitution at nucleotide position 13351. The glutamic acid at codon 4451 is replaced by lysine, an amino acid with similar properties. This alteration was reported in a reportedly healthy exome cohort from India (Bajaj A et al. Hum Genomics, 2022 Aug;16:30). This amino acid position is well conserved in available vertebrate species. In addition, the in silico prediction for this alteration is inconclusive. Since supporting evidence is limited at this time, the clinical significance of this alteration remains unclear.

Literature cited by the submitters: PubMed 35932045 (cited by Ambry Genetics).